The following is an entry in ClinVar:

ClinVar aggregate classification (germline): Benign/Likely benign. Review status: criteria provided, multiple submitters, no conflicts (2 of 4 stars). 5 submissions from 5 submitters: Benign (4); Likely benign (1). Last evaluated 2026-01-31.

Conditions:
Donnai-Barrow syndrome. Also called: DBS/FOAR SYNDROME; FACIOOCULOACOUSTICORENAL SYNDROME. Identifiers: Orphanet 2143, MedGen C1857277, MONDO:0009104, OMIM 222448.

Allele frequency attached by ClinVar (database versions not stated): gnomAD exomes 0.00217; ExAC 0.00291; gnomAD 0.00882 and 0.00939; TOPMed 0.00938; ESP Exome Variant Server 0.01023; 1000 Genomes Project 0.01138; 1000 Genomes Project 30x 0.01171.
gnomAD v4.1: 2,623 of 1,614,086 alleles (0.16%); highest among the groups gnomAD compares: African/African-American, 3.1%; 42 homozygotes.

Submissions (5):

Labcorp Genetics (formerly Invitae), Labcorp
Classification: Benign. Last evaluated: 2026-01-31. Review status: criteria provided, single submitter. Criteria: Invitae Variant Classification Sherloc (09022015). Collection method: clinical testing. Allele origin: germline.

Fulgent Genetics
Classification: Likely benign for Donnai-Barrow syndrome. Last evaluated: 2021-10-08. Review status: criteria provided, single submitter. Criteria: ACMG Guidelines, 2015. Collection method: clinical testing. Allele origin: unknown.

Genome-Nilou Lab
Classification: Benign for Donnai-Barrow syndrome. Last evaluated: 2021-07-15. Review status: criteria provided, single submitter. Criteria: ACMG Guidelines, 2015. Collection method: clinical testing. Allele origin: germline. Affected: no.

Illumina Laboratory Services, Illumina
Classification: Benign for Donnai-Barrow syndrome. Last evaluated: 2018-01-12. Review status: criteria provided, single submitter. Criteria: ICSL Variant Classification Criteria 13 December 2019. Collection method: clinical testing. Allele origin: germline.
Comment: This variant was observed in the ICSL laboratory as part of a predisposition screen in an ostensibly healthy population. It had not been previously curated by ICSL or reported in the Human Gene Mutation Database (HGMD: prior to June 1st, 2018), and was therefore a candidate for classification through an automated scoring system. Utilizing variant allele frequency, disease prevalence and penetrance estimates, and inheritance mode, an automated score was calculated to assess if this variant is too frequent to cause the disease. Based on the score and internal cut-off values, a variant classified as benign is not then subjected to further curation. The score for this variant resulted in a classification of benign for this disease.

Breakthrough Genomics
Classification: Benign. Review status: criteria provided, single submitter. Criteria: ACMG Guidelines, 2015. Collection method: not provided. Allele origin: germline. Inheritance: Autosomal recessive inheritance. Affected: yes.

NM_004525.3(LRP2):c.11346C>T (p.Asn3782=)

Gene: LRP2 (LDL receptor related protein 2; minus strand). Cytogenetic location: 2q31.1.
Variant type: single nucleotide variant.
Coding change: c.11346C>T on transcript NM_004525.3 (MANE Select); coding-DNA position 11346, C replaced by T.
Protein change: p.Asn3782=; no amino-acid change (asparagine 3782 retained).
Molecular consequence: synonymous variant.
Genome position (GRCh38, 1-based): chr2:169,170,585, G>A on the plus strand (C>T on the coding strand, the complement: LRP2 is on the minus strand). VCF-style: chr2-169170585-G-A. GRCh37 (hg19) VCF-style: chr2-170027095-G-A.
Identifiers: ClinVar variation 332092 (VCV000332092.19), dbSNP rs7598640, ClinGen allele CA1953104.